The following is an entry in ClinVar:

NM_015295.3(SMCHD1):c.321A>G (p.Leu107=)

Gene: SMCHD1 (structural maintenance of chromosomes flexible hinge domain containing 1; plus strand). Cytogenetic location: 18p11.32.
Variant type: single nucleotide variant.
Coding change: c.321A>G on transcript NM_015295.3 (MANE Select); coding-DNA position 321, A replaced by G.
Protein change: p.Leu107=; no amino-acid change (leucine 107 retained).
Molecular consequence: synonymous variant.
Genome position (GRCh38, 1-based): chr18:2,666,928, A>G. VCF-style: chr18-2666928-A-G. GRCh37 (hg19) VCF-style: chr18-2666927-A-G.
Identifiers: ClinVar variation 283112 (VCV000283112.48), dbSNP rs567120742, ClinGen allele CA8870530.

ClinVar aggregate classification (germline): Benign/Likely benign. Review status: criteria provided, multiple submitters, no conflicts (2 of 4 stars). 5 submissions from 5 submitters: Benign (2); Likely benign (2). 1 of the submissions does not count toward it. Last evaluated 2025-12-18.

Conditions:
SMCHD1-related disorder. Also called: SMCHD1-related condition.
Facioscapulohumeral muscular dystrophy 2 (FSHD2). Also called: FACIOSCAPULOHUMERAL MUSCULAR DYSTROPHY 2, DIGENIC; FSHD2, DIGENIC; MUSCULAR DYSTROPHY, FACIOSCAPULOHUMERAL, TYPE 1B. Identifiers: Orphanet 269, MedGen C1834671, MONDO:0008031, OMIM 158901.

Allele frequency attached by ClinVar (database versions not stated): gnomAD 0.00004 and 0.00031; TOPMed 0.00009; gnomAD exomes 0.00038 and 0.00079; ExAC 0.00090; 1000 Genomes Project 30x 0.00094; 1000 Genomes Project 0.00120.
gnomAD v4.1: 612 of 1,613,076 alleles (0.038%); highest among the groups gnomAD compares: South Asian, 0.63%; 8 homozygotes.

Submissions (5):

Labcorp Genetics (formerly Invitae), Labcorp
Classification: Benign for Facioscapulohumeral muscular dystrophy 2. Last evaluated: 2025-12-18. Review status: criteria provided, single submitter. Criteria: Invitae Variant Classification Sherloc (09022015). Collection method: clinical testing. Allele origin: germline.

CeGaT Center for Human Genetics Tuebingen
Classification: Likely benign. Last evaluated: 2025-04-01. Review status: criteria provided, single submitter. Criteria: CeGaT Center For Human Genetics Tuebingen Variant Classification Criteria Version 2. Collection method: clinical testing. Allele origin: germline. Affected: yes. Observed: 2 variant alleles.
Comment: SMCHD1: BP4, BP7

Blueprint Genetics
Classification: Likely benign. Last evaluated: 2024-11-05. Review status: criteria provided, single submitter. Criteria: ACMG Guidelines, 2015. Collection method: clinical testing. Allele origin: germline.

Eurofins Ntd Llc (ga)
Classification: Benign. Last evaluated: 2017-06-16. Review status: criteria provided, single submitter. Criteria: EGL Classification Definitions 2015. Collection method: clinical testing. Allele origin: germline. Observed: 5 variant alleles, 5 heterozygotes.

PreventionGenetics, part of Exact Sciences
Classification: Benign for SMCHD1-related condition. Last evaluated: 2019-08-07. Review status: no assertion criteria provided. Collection method: clinical testing. Allele origin: germline. Not counted in ClinVar's aggregate classification.
Comment: This variant is classified as benign based on ACMG/AMP sequence variant interpretation guidelines (Richards et al. 2015 PMID: 25741868, with internal and published modifications).